The following is an entry in ClinVar:

NM_000143.4(FH):c.1110C>T (p.Gly370=)

Gene: FH (fumarate hydratase; minus strand). Cytogenetic location: 1q43.
Variant type: single nucleotide variant.
Coding change: c.1110C>T on transcript NM_000143.4 (MANE Select); coding-DNA position 1110, C replaced by T.
Protein change: p.Gly370=; no amino-acid change (glycine 370 retained).
Molecular consequence: synonymous variant.
Genome position (GRCh38, 1-based): chr1:241,502,569, G>A on the plus strand (C>T on the coding strand, the complement: FH is on the minus strand). VCF-style: chr1-241502569-G-A. GRCh37 (hg19) VCF-style: chr1-241665869-G-A.
Identifiers: ClinVar variation 1795056 (VCV001795056.3), dbSNP rs1281311797, ClinGen allele CA424075723.

ClinVar aggregate classification (germline): Benign/Likely benign. Review status: criteria provided, multiple submitters, no conflicts (2 of 4 stars). 2 submissions from 2 submitters: Benign (1); Likely benign (1). Last evaluated 2024-10-21.

Conditions:
Hereditary leiomyomatosis and renal cell cancer. Also called: MULTIPLE CUTANEOUS AND UTERINE LEIOMYOMATA 1, WITH OR WITHOUT RENAL CELL CARCINOMA; LEIOMYOMA, MULTIPLE CUTANEOUS; Reed syndrome; Multiple cutaneous and uterine leiomyomatosis; Cutaneous leiomyomata with uterine leiomyomata; Leiomyoma, hereditary multiple, of skin. Identifiers: Orphanet 523, MedGen C1708350, MONDO:0007888, OMIM 150800, HP:0007437. Disease mechanism: loss of function.
Hereditary cancer-predisposing syndrome. Also called: Neoplastic Syndromes, Hereditary; Tumor predisposition; Hereditary Cancer Syndrome; Hereditary neoplastic syndrome. Identifiers: Orphanet 140162, MedGen C0027672, MeSH D009386, MONDO:0015356.

Allele frequency attached by ClinVar (database versions not stated): TOPMed below 0.00001; gnomAD 0.00001.
gnomAD v4.1: 1 of 1,613,966 alleles (0.000062%); highest among the groups gnomAD compares: Non-Finnish European, 0.000085%; no homozygotes.

Submissions (2):

Myriad Genetics, Inc.
Classification: Benign for Hereditary leiomyomatosis and renal cell cancer. Last evaluated: 2024-10-21. Review status: criteria provided, single submitter. Criteria: Myriad Autosomal Dominant, Autosomal Recessive and X-Linked Classification Criteria (2023). Collection method: clinical testing. Allele origin: unknown.
Comment: This variant is considered benign. This variant is a silent/synonymous amino acid change and it is not expected to impact splicing.

Ambry Genetics
Classification: Likely benign for Hereditary cancer-predisposing syndrome. Last evaluated: 2021-11-10. Review status: criteria provided, single submitter. Criteria: Ambry Variant Classification Scheme 2023. Collection method: clinical testing. Allele origin: germline.